The following is an entry in ClinVar:

ClinVar aggregate classification (germline): Uncertain significance. Review status: criteria provided, single submitter (1 of 4 stars). 2 submissions from 2 submitters: Uncertain significance (1). 1 of the submissions does not count toward it. Last evaluated 2026-03-10.

Conditions:
Glycine encephalopathy. Also called: Nonketotic hyperglycinemia; Non-ketotic hyperglycinemia. Identifiers: Orphanet 407, MedGen C0751748, MONDO:0011612, HP:0008288.
Glycine encephalopathy 1 (GCE1). Identifiers: MedGen CN376801, MONDO:0958179, OMIM 605899.

Submissions (2):

Myriad Genetics, Inc.
Classification: Uncertain significance for Glycine encephalopathy 1. Last evaluated: 2026-03-10. Review status: criteria provided, single submitter. Criteria: Myriad Autosomal Dominant, Autosomal Recessive and X-Linked Classification Criteria (2023). Collection method: clinical testing. Allele origin: unknown.
Comment: NM_000170.2(GLDC):c.848C>G(A283G) is a missense variant classified as a variant of uncertain significance in the context of glycine encephalopathy, GLDC-related. A283G has been observed in a case with relevant disease (PMID: Li_2023_(Article)). Relevant functional assessments of this variant are not available in the literature. A283G has not been observed in referenced population frequency databases. In summary, there is insufficient evidence to classify NM_000170.2(GLDC):c.848C>G(A283G) as pathogenic or benign. Please note: this variant was assessed in the context of healthy population screening.

Institute of Pediatric Research, Children's Hospital of Soochow University, Soochow University
Classification: Likely pathogenic for Glycine encephalopathy 1. Last evaluated: 2021-03-11. Review status: no assertion criteria provided. Collection method: research. Allele origin: maternal. Inheritance: Autosomal recessive inheritance. Affected: yes. Not counted in ClinVar's aggregate classification.

NM_000170.3(GLDC):c.848C>G (p.Ala283Gly)

Gene: GLDC (glycine decarboxylase; minus strand). Cytogenetic location: 9p24.1.
Variant type: single nucleotide variant.
Coding change: c.848C>G on transcript NM_000170.3 (MANE Select); coding-DNA position 848, C replaced by G.
Protein change: p.Ala283Gly; replaces alanine 283 with glycine.
Molecular consequence: missense variant.
Genome position (GRCh38, 1-based): chr9:6,605,144, G>C on the plus strand (C>G on the coding strand, the complement: GLDC is on the minus strand). VCF-style: chr9-6605144-G-C. GRCh37 (hg19) VCF-style: chr9-6605144-G-C.
Other names: short protein forms A283G.
Identifiers: ClinVar variation 1027372 (VCV001027372.2), dbSNP rs2129898042, ClinGen allele CA372896272.
Genomic context (GRCh38, chr9:6,605,144, plus strand): 5'-AGTTGGGATACGCCTCCACGGACCCCCCACAAGAAAGGTATACCTACCCCACTCTGATGA[G>C]CTCTCTCCACGAGTTCCGTAAAGTCTTCCACCTTCCCCTCCGTGTCTGGGTACTGGAACA-3'
Protein context (NP_000161.2, residues 273-293): VEDFTELVER[Ala283Gly]HQSGSLACCA